The following is an entry in ClinVar:

NM_015981.4(CAMK2A):c.635dup (p.Phe213fs)

Gene: CAMK2A (calcium/calmodulin dependent protein kinase II alpha; minus strand). Cytogenetic location: 5q32.
Variant type: Duplication.
Coding change: c.635dup on transcript NM_015981.4 (MANE Select); coding-DNA position 635, one base duplicated (C; older notation c.635dupC).
Protein change: p.Phe213fs; shifts the reading frame from phenylalanine 213.
Molecular consequence: frameshift variant.
Genome position (GRCh38, 1-based): chr5:150,251,808, G duplicated on the plus strand (C on the coding strand, the reverse complement: CAMK2A is on the minus strand); the first of 6 consecutive G bases (chr5:150,251,808-150,251,813); duplicating any one gives the same sequence. VCF-style (leftmost placement, unchanged base first): chr5-150251807-C-CG. GRCh37 (hg19) VCF-style: chr5-149631370-C-CG.
Other names: c.635dup, p.Phe213fs (NM_001363989.1, NM_001363990.1, NM_001369025.2 and 1 more transcripts); short protein forms F213fs.
Identifiers: ClinVar variation 3373207 (VCV003373207.2).

ClinVar aggregate classification (germline): Uncertain significance. Review status: criteria provided, single submitter (1 of 4 stars). 2 submissions from 2 submitters: Uncertain significance (1). 1 of the submissions does not count toward it. Last evaluated 2024-02-27.

Conditions:
Intellectual developmental disorder, autosomal dominant 53. Also called: MENTAL RETARDATION, AUTOSOMAL DOMINANT 53; Intellectual disability, autosomal dominant 53. Identifiers: MedGen C4540481, MONDO:0030919, OMIM 617798.

Submissions (2):

GeneDx
Classification: Uncertain significance. Last evaluated: 2024-02-27. Review status: criteria provided, single submitter. Criteria: GeneDx Variant Classification Process June 2021. Collection method: clinical testing. Allele origin: germline. Affected: yes.
Comment: Not observed at significant frequency in large population cohorts (gnomAD); Frameshift variant predicted to result in protein truncation or nonsense mediated decay in a gene or region of a gene for which loss of function is not a well-established mechanism of disease; Has not been previously published as pathogenic or benign to our knowledge

Molecular Genetics Laboratory, BC Children's and BC Women's Hospitals
Classification: Uncertain significance for Intellectual developmental disorder, autosomal dominant 53. Last evaluated: 2025-08-20. Review status: no assertion criteria provided. Criteria: ACMG Guidelines, 2015. Collection method: clinical testing. Allele origin: unknown. Affected: yes. Not counted in ClinVar's aggregate classification.